The following is an entry in ClinVar:

NM_001987.5(ETV6):c.329-3C>T

Gene: ETV6 (ETS variant transcription factor 6; plus strand). Cytogenetic location: 12p13.2.
Variant type: single nucleotide variant.
Coding change: c.329-3C>T on transcript NM_001987.5 (MANE Select); 3 bases into the intron before coding-DNA position 329, C replaced by T.
Molecular consequence: intron variant.
Genome position (GRCh38, 1-based): chr12:11,853,424, C>T. VCF-style: chr12-11853424-C-T. GRCh37 (hg19) VCF-style: chr12-12006358-C-T.
Other names: c.302-3C>T (NM_001413914.1); c.329-3C>T (NM_001413917.1, NM_001413916.1); c.326-3C>T (NM_001413913.1); c.65-3C>T (NM_001413915.1).
Identifiers: ClinVar variation 4251470 (VCV004251470.1).
Genomic context (GRCh38, chr12:11,853,424, plus strand): 5'-CGTAGATCGTTGTTGGAAAAACATCTTTCCATTTCTCGATTTCCCTTTCCTTTTTCTTTC[C>T]AGGTGATGTGCTCTATGAACTCCTTCAGCATATTCTGAAGCAGAGGAAACCTCGGATTCT-3'

ClinVar aggregate classification (germline): Uncertain significance (1 of 4 stars; one submission).

Conditions:
Inborn genetic diseases. Identifiers: MedGen C0950123, MeSH D030342.

gnomAD v4.1: 2 of 1,613,352 alleles (0.00012%); highest among the groups gnomAD compares: Admixed American, 0.0017%; no homozygotes.

Submission:

Ambry Genetics
Classification: Uncertain significance for Inborn genetic diseases. Last evaluated: 2025-08-19. Review status: criteria provided, single submitter. Criteria: Ambry Variant Classification Scheme 2023. Collection method: clinical testing. Allele origin: germline.
Comment: The c.329-3C>T intronic variant results from a C to T substitution 3 nucleotides upstream from coding exon 4 in the ETV6 gene. This nucleotide position is highly conserved in available vertebrate species. In silico splice site analysis predicts that this alteration will not have any significant effect on splicing. Based on the available evidence, the clinical significance of this variant remains unclear.